The following is an entry in ClinVar:

ClinVar aggregate classification (germline): Uncertain significance (1 of 4 stars; one submission).

gnomAD v4.1: 1 of 1,209,945 alleles (0.000083%); highest among the groups gnomAD compares: African/African-American, 0.0017%; no homozygotes.

Submission:

Women's Health and Genetics/Laboratory Corporation of America, LabCorp
Classification: Uncertain significance. Last evaluated: 2024-11-06. Review status: criteria provided, single submitter. Criteria: LabCorp Variant Classification Summary - May 2015. Collection method: clinical testing. Allele origin: germline.
Comment: Variant summary: ABCB7 c.151A>G (p.Thr51Ala) results in a non-conservative amino acid change in the encoded protein sequence. Four of five in-silico tools predict a benign effect of the variant on protein function. The variant was absent in 177008 control chromosomes. The available data on variant occurrences in the general population are insufficient to allow any conclusion about variant significance. To our knowledge, no occurrence of c.151A>G in individuals affected with X-Linked Sideroblastic Anemia With Ataxia and no experimental evidence demonstrating its impact on protein function have been reported. No submitters have cited clinical-significance assessments for this variant to ClinVar. Based on the evidence outlined above, the variant was classified as uncertain significance.

NM_001271696.3(ABCB7):c.151A>G (p.Thr51Ala)

Genes: ABCB7 (ATP binding cassette subfamily B member 7; minus strand), LOC130068449 (ATAC-STARR-seq lymphoblastoid active region 29770; plus strand). Cytogenetic location: Xq13.3.
Variant type: single nucleotide variant.
Coding change: c.151A>G on transcript NM_001271696.3 (MANE Select); coding-DNA position 151, A replaced by G.
Protein change: p.Thr51Ala; replaces threonine 51 with alanine.
Molecular consequence: missense variant.
Genome position (GRCh38, 1-based): chrX:75,156,122, T>C on the plus strand (A>G on the coding strand, the complement: ABCB7 is on the minus strand). VCF-style: chrX-75156122-T-C. GRCh37 (hg19) VCF-style: chrX-74375957-T-C.
Other names: c.151A>G, p.Thr51Ala (NM_001271697.3, NM_001271698.3, NM_001271699.3 and 1 more transcripts); short protein forms T51A.
Identifiers: ClinVar variation 3629800 (VCV003629800.1).